The following is an entry in ClinVar:

ClinVar aggregate classification (germline): Uncertain significance (1 of 4 stars; one submission).

Conditions:
Congenital disorder of deglycosylation (CDDG). Identifiers: MedGen C3808991, MONDO:0031376.

Allele frequency attached by ClinVar (database versions not stated): gnomAD exomes below 0.00001.
gnomAD v4.1: 1 of 1,564,520 alleles (0.000064%); highest among the groups gnomAD compares: Non-Finnish European, 0.000088%; no homozygotes.

Submission:

Labcorp Genetics (formerly Invitae), Labcorp
Classification: Uncertain significance for Congenital disorder of deglycosylation. Last evaluated: 2020-01-22. Review status: criteria provided, single submitter. Criteria: Invitae Variant Classification Sherloc (09022015). Collection method: clinical testing. Allele origin: germline.
Comment: This sequence change falls in intron 2 of the NGLY1 gene. It does not directly change the encoded amino acid sequence of the NGLY1 protein, but it affects a nucleotide within the consensus splice site of the intron. This variant is not present in population databases (ExAC no frequency). This variant has not been reported in the literature in individuals with NGLY1-related conditions. Nucleotide substitutions within the consensus splice site are a relatively common cause of aberrant splicing (PMID: 17576681, 9536098). Algorithms developed to predict the effect of sequence changes on RNA splicing suggest that this variant may disrupt the consensus splice site, but this prediction has not been confirmed by published transcriptional studies. In summary, the available evidence is currently insufficient to determine the role of this variant in disease. Therefore, it has been classified as a Variant of Uncertain Significance.

Literature cited by the submitters: PubMed 17576681; PubMed 9536098.

NM_018297.4(NGLY1):c.246+5G>A

Gene: NGLY1 (N-glycanase 1; minus strand). Cytogenetic location: 3p24.2.
Variant type: single nucleotide variant.
Coding change: c.246+5G>A on transcript NM_018297.4 (MANE Select); 5 bases into the intron after coding-DNA position 246, G replaced by A.
Molecular consequence: intron variant.
Genome position (GRCh38, 1-based): chr3:25,778,569, C>T on the plus strand (G>A on the coding strand, the complement: NGLY1 is on the minus strand). VCF-style: chr3-25778569-C-T. GRCh37 (hg19) VCF-style: chr3-25820060-C-T.
Other names: c.120+5G>A (NM_001145294.2); c.246+5G>A (NM_001145295.2, NM_001145293.2).
Identifiers: ClinVar variation 857360 (VCV000857360.4), dbSNP rs1708257371, ClinGen allele CA916082564.